The following is an entry in ClinVar:

NM_002180.3(IGHMBP2):c.1399G>A (p.Val467Met)

Gene: IGHMBP2 (immunoglobulin mu DNA binding protein 2; plus strand). Cytogenetic location: 11q13.3.
Variant type: single nucleotide variant.
Coding change: c.1399G>A on transcript NM_002180.3 (MANE Select); coding-DNA position 1399, G replaced by A.
Protein change: p.Val467Met; replaces valine 467 with methionine.
Molecular consequence: missense variant.
Genome position (GRCh38, 1-based): chr11:68,933,462, G>A. VCF-style: chr11-68933462-G-A. GRCh37 (hg19) VCF-style: chr11-68700930-G-A.
Other names: short protein forms V467M.
Identifiers: ClinVar variation 568417 (VCV000568417.6), dbSNP rs755120725, ClinGen allele CA223408663.

ClinVar aggregate classification (germline): Uncertain significance (1 of 4 stars; one submission).

Conditions:
Charcot-Marie-Tooth disease axonal type 2S. Also called: CHARCOT-MARIE-TOOTH NEUROPATHY, TYPE 2S; CHARCOT-MARIE-TOOTH DISEASE, AXONAL, AUTOSOMAL RECESSIVE, TYPE 2S. Identifiers: Orphanet 443073, MedGen C4015349, MONDO:0014511, OMIM 616155.
Autosomal recessive distal spinal muscular atrophy 1. Also called: HMN VI; NEURONOPATHY, SEVERE INFANTILE AXONAL, WITH RESPIRATORY FAILURE; NEURONOPATHY, DISTAL HEREDITARY MOTOR, HARDING TYPE VI; NEUROPATHY, DISTAL HEREDITARY MOTOR, AUTOSOMAL RECESSIVE 1; SEVERE INFANTILE AXONAL NEUROPATHY WITH RESPIRATORY FAILURE; SPINAL MUSCULAR ATROPHY, DIAPHRAGMATIC. Identifiers: Orphanet 98920, MedGen C1858517, MONDO:0011436, OMIM 604320.

gnomAD v4.1: 24 of 1,612,670 alleles (0.0015%); highest among the groups gnomAD compares: Non-Finnish European, 0.002%; no homozygotes.

Submission:

Labcorp Genetics (formerly Invitae), Labcorp
Classification: Uncertain significance for Autosomal recessive distal spinal muscular atrophy 1; Charcot-Marie-Tooth disease axonal type 2S. Last evaluated: 2021-08-31. Review status: criteria provided, single submitter. Criteria: Invitae Variant Classification Sherloc (09022015). Collection method: clinical testing. Allele origin: germline.
Comment: This sequence change replaces valine with methionine at codon 467 of the IGHMBP2 protein (p.Val467Met). The valine residue is highly conserved and there is a small physicochemical difference between valine and methionine. This variant is not present in population databases (ExAC no frequency). This variant has not been reported in the literature in individuals affected with IGHMBP2-related conditions. Algorithms developed to predict the effect of missense changes on protein structure and function are either unavailable or do not agree on the potential impact of this missense change (SIFT: "Deleterious"; PolyPhen-2: "Probably Damaging"; Align-GVGD: "Class C0"). In summary, the available evidence is currently insufficient to determine the role of this variant in disease. Therefore, it has been classified as a Variant of Uncertain Significance.